The following is an entry in ClinVar:

ClinVar aggregate classification (germline): Likely pathogenic (1 of 4 stars; one submission).

Conditions:
Intellectual developmental disorder, X-linked 93. Also called: Intellectual disability, X-linked 93; MENTAL RETARDATION, X-LINKED, WITH MACROCEPHALY. Identifiers: MedGen C1970841, MONDO:0010393, OMIM 300659.

Submission:

Department of Human Genetics, Hannover Medical School
Classification: Likely pathogenic for Intellectual developmental disorder, X-linked 93. Last evaluated: 2025-01-17. Review status: criteria provided, single submitter. Criteria: ACMG Guidelines, 2015. Collection method: clinical testing. Allele origin: germline. Affected: yes.
Comment: ACMG: PVS1, PM2_Supporting

NM_153252.5(BRWD3):c.1150C>T (p.Arg384Ter)

Gene: BRWD3 (bromodomain and WD repeat domain containing 3; minus strand). Cytogenetic location: Xq21.1.
Variant type: single nucleotide variant.
Coding change: c.1150C>T on transcript NM_153252.5 (MANE Select); coding-DNA position 1150, C replaced by T.
Protein change: p.Arg384Ter; replaces arginine 384 with a stop codon.
Molecular consequence: nonsense.
Genome position (GRCh38, 1-based): chrX:80,729,998, G>A on the plus strand (C>T on the coding strand, the complement: BRWD3 is on the minus strand). VCF-style: chrX-80729998-G-A. GRCh37 (hg19) VCF-style: chrX-79985497-G-A.
Other names: short protein forms R384*.
Identifiers: ClinVar variation 3572932 (VCV003572932.1).